The following is an entry in ClinVar:

NM_001083961.2(WDR62):c.2740-219G>C

Gene: WDR62 (WD repeat domain 62; plus strand). Cytogenetic location: 19q13.12.
Variant type: single nucleotide variant.
Coding change: c.2740-219G>C on transcript NM_001083961.2 (MANE Select); 219 bases into the intron before coding-DNA position 2740, G replaced by C.
Molecular consequence: intron variant.
Genome position (GRCh38, 1-based): chr19:36,100,529, G>C. VCF-style: chr19-36100529-G-C. GRCh37 (hg19) VCF-style: chr19-36591431-G-C.
Other names: c.2740-219G>C (NM_173636.5).
Identifiers: ClinVar variation 672335 (VCV000672335.1), dbSNP rs17777328, ClinGen allele CA14721550.

ClinVar aggregate classification (germline): Benign (1 of 4 stars; one submission).

Allele frequency attached by ClinVar (database versions not stated): gnomAD 0.12695 and 0.12986; TOPMed 0.13889; 1000 Genomes Project 0.16354; 1000 Genomes Project 30x 0.16396.
gnomAD v4.1: 19,749 of 152,238 alleles (13%); highest among the groups gnomAD compares: East Asian, 30%; 1,598 homozygotes.

Submission:

GeneDx
Classification: Benign. Last evaluated: 2018-06-14. Review status: criteria provided, single submitter. Criteria: GeneDx Variant Classification (06012015). Collection method: clinical testing. Allele origin: germline. Affected: yes.
Comment: This variant is considered likely benign or benign based on one or more of the following criteria: it is a conservative change, it occurs at a poorly conserved position in the protein, it is predicted to be benign by multiple in silico algorithms, and/or has population frequency not consistent with disease.